The following is an entry in ClinVar:

ClinVar aggregate classification (germline): Pathogenic (1 of 4 stars; one submission).

Conditions:
Bloom syndrome (BLM). Also called: Bloom-Torre-Machacek syndrome. Identifiers: Orphanet 125, MedGen C0005859, MONDO:0008876, OMIM 210900.

Submission:

Labcorp Genetics (formerly Invitae), Labcorp
Classification: Pathogenic for Bloom syndrome. Last evaluated: 2024-07-08. Review status: criteria provided, single submitter. Criteria: Invitae Variant Classification Sherloc (09022015). Collection method: clinical testing. Allele origin: germline.
Comment: This sequence change creates a premature translational stop signal (p.Gln351*) in the BLM gene. It is expected to result in an absent or disrupted protein product. Loss-of-function variants in BLM are known to be pathogenic (PMID: 17407155). This variant is not present in population databases (gnomAD no frequency). This variant has not been reported in the literature in individuals affected with BLM-related conditions. Algorithms developed to predict the effect of sequence changes on RNA splicing suggest that this variant may disrupt the consensus splice site. For these reasons, this variant has been classified as Pathogenic.

Literature cited by the submitters: PubMed 17407155.

NM_000057.4(BLM):c.1051C>T (p.Gln351Ter)

Gene: BLM (BLM RecQ like helicase; plus strand). Cytogenetic location: 15q26.1.
Variant type: single nucleotide variant.
Coding change: c.1051C>T on transcript NM_000057.4 (MANE Select); coding-DNA position 1051, C replaced by T.
Protein change: p.Gln351Ter; replaces glutamine 351 with a stop codon.
Molecular consequence: nonsense. On other transcripts: 5 prime UTR variant (1).
Genome position (GRCh38, 1-based): chr15:90,754,902, C>T. VCF-style: chr15-90754902-C-T. GRCh37 (hg19) VCF-style: chr15-91298132-C-T.
Other names: c.1051C>T, p.Gln351Ter (NM_001287246.2, NM_001287247.2); c.-241C>T (NM_001287248.2); short protein forms Q351*.
Identifiers: ClinVar variation 2909831 (VCV002909831.3), dbSNP rs2151152283, ClinGen allele CA393842186.